The following is an entry in ClinVar:

NM_001376.5(DYNC1H1):c.6072C>G (p.Gly2024=)

Gene: DYNC1H1 (dynein cytoplasmic 1 heavy chain 1; plus strand). Cytogenetic location: 14q32.31.
Variant type: single nucleotide variant.
Coding change: c.6072C>G on transcript NM_001376.5 (MANE Select); coding-DNA position 6072, C replaced by G.
Protein change: p.Gly2024=; no amino-acid change (glycine 2024 retained).
Molecular consequence: synonymous variant.
Genome position (GRCh38, 1-based): chr14:102,009,937, C>G. VCF-style: chr14-102009937-C-G. GRCh37 (hg19) VCF-style: chr14-102476274-C-G.
Identifiers: ClinVar variation 5040301 (VCV005040301.1).

ClinVar aggregate classification (germline): Likely benign (1 of 4 stars; one submission).

Submission:

CeGaT Center for Human Genetics Tuebingen
Classification: Likely benign. Last evaluated: 2026-07-01. Review status: criteria provided, single submitter. Criteria: CeGaT Center For Human Genetics Tuebingen Variant Classification Criteria Version 2. Collection method: clinical testing. Allele origin: germline. Affected: yes. Observed: 1 variant allele.
Comment: DYNC1H1: PM2:Supporting, BP4, BP7